The following is an entry in ClinVar:

NM_002691.4(POLD1):c.589+2T>A

Gene: POLD1 (DNA polymerase delta 1, catalytic subunit; plus strand). Cytogenetic location: 19q13.33.
Variant type: single nucleotide variant.
Coding change: c.589+2T>A on transcript NM_002691.4 (MANE Select); the canonical splice donor site of the intron after coding-DNA position 589, T replaced by A.
Molecular consequence: splice donor variant.
Genome position (GRCh38, 1-based): chr19:50,402,126, T>A. VCF-style: chr19-50402126-T-A. GRCh37 (hg19) VCF-style: chr19-50905383-T-A.
Other names: c.589+2T>A (NM_001256849.1, NM_001308632.1).
Identifiers: ClinVar variation 2831484 (VCV002831484.4), dbSNP rs1184160046, ClinGen allele CA406973522.

ClinVar aggregate classification (germline): Uncertain significance. Review status: criteria provided, multiple submitters, no conflicts (2 of 4 stars). 2 submissions from 2 submitters: Uncertain significance (2). Last evaluated 2023-08-30.

Conditions:
POLD1-related polyposis and colorectal cancer syndrome (CRCS10). Also called: Colorectal cancer 10; COLORECTAL CANCER, SUSCEPTIBILITY TO, ON CHROMOSOME 19q; Colorectal cancer, susceptibility to, 10. Identifiers: Orphanet 220460, MedGen C2675481, MONDO:0012953, OMIM 612591.

Allele frequency attached by ClinVar (database versions not stated): gnomAD exomes below 0.00001.
gnomAD v4.1: 1 of 1,609,042 alleles (0.000062%); highest among the groups gnomAD compares: South Asian, 0.0011%; no homozygotes.

Submissions (2):

Blueprint Genetics
Classification: Uncertain significance. Last evaluated: 2023-08-30. Review status: criteria provided, single submitter. Criteria: ACMG Guidelines, 2015. Collection method: clinical testing. Allele origin: germline.

Labcorp Genetics (formerly Invitae), Labcorp
Classification: Uncertain significance for POLD1-related polyposis and colorectal cancer syndrome. Last evaluated: 2023-05-11. Review status: criteria provided, single submitter. Criteria: Invitae Variant Classification Sherloc (09022015). Collection method: clinical testing. Allele origin: germline.
Comment: Algorithms developed to predict the effect of sequence changes on RNA splicing suggest that this variant may disrupt the consensus splice site. This sequence change affects a donor splice site in intron 5 of the POLD1 gene. Missense variants that disrupt the 3'-5' exonuclease (proof-reading) activity of the POLD1 protein are associated with PPAP (polymerase proofreading–associated polyposis) (PMID: 23263490, 23447401). However, loss-of-function variants that result in an absent or severely disrupted POLD1 protein, and missense variants outside the exonuclease domain, are unlikely to be associated with PPAP. This variant is present in population databases (no rsID available, gnomAD 0.003%). This variant has not been reported in the literature in individuals affected with POLD1-related conditions. In summary, the available evidence is currently insufficient to determine the role of this variant in disease. Therefore, it has been classified as a Variant of Uncertain Significance.

Literature cited by the submitters: PubMed 23263490 (cited by Labcorp Genetics (formerly Invitae), Labcorp); PubMed 23447401 (cited by Labcorp Genetics (formerly Invitae), Labcorp).